The following is an entry in ClinVar:

NM_017617.5(NOTCH1):c.5836C>G (p.Arg1946Gly)

Gene: NOTCH1 (notch receptor 1; minus strand). Cytogenetic location: 9q34.3.
Variant type: single nucleotide variant.
Coding change: c.5836C>G on transcript NM_017617.5 (MANE Select); coding-DNA position 5836, C replaced by G.
Protein change: p.Arg1946Gly; replaces arginine 1946 with glycine.
Molecular consequence: missense variant.
Genome position (GRCh38, 1-based): chr9:136,500,650, G>C on the plus strand (C>G on the coding strand, the complement: NOTCH1 is on the minus strand). VCF-style: chr9-136500650-G-C. GRCh37 (hg19) VCF-style: chr9-139395102-G-C.
Other names: short protein forms R1946G.
Identifiers: ClinVar variation 2958117 (VCV002958117.3), dbSNP rs1440167765, ClinGen allele CA375636836.

ClinVar aggregate classification (germline): Uncertain significance (1 of 4 stars; one submission).

Conditions:
Adams-Oliver syndrome 5 (AOS5). Identifiers: Orphanet 974, MedGen C4014970, MONDO:0014459, OMIM 616028.

Submission:

Labcorp Genetics (formerly Invitae), Labcorp
Classification: Uncertain significance for Adams-Oliver syndrome 5. Last evaluated: 2023-12-28. Review status: criteria provided, single submitter. Criteria: Invitae Variant Classification Sherloc (09022015). Collection method: clinical testing. Allele origin: germline.
Comment: This sequence change replaces arginine, which is basic and polar, with glycine, which is neutral and non-polar, at codon 1946 of the NOTCH1 protein (p.Arg1946Gly). This variant is not present in population databases (gnomAD no frequency). This variant has not been reported in the literature in individuals affected with NOTCH1-related conditions. Advanced modeling of protein sequence and biophysical properties (such as structural, functional, and spatial information, amino acid conservation, physicochemical variation, residue mobility, and thermodynamic stability) performed at Invitae indicates that this missense variant is not expected to disrupt NOTCH1 protein function with a negative predictive value of 80%. In summary, the available evidence is currently insufficient to determine the role of this variant in disease. Therefore, it has been classified as a Variant of Uncertain Significance.